The following is an entry in ClinVar:

NM_001127898.4(CLCN5):c.1097A>G (p.Asn366Ser)

Gene: CLCN5 (chloride voltage-gated channel 5; plus strand). Cytogenetic location: Xp11.23.
Variant type: single nucleotide variant.
Coding change: c.1097A>G on transcript NM_001127898.4 (MANE Select); coding-DNA position 1097, A replaced by G.
Protein change: p.Asn366Ser; replaces asparagine 366 with serine.
Molecular consequence: missense variant. On other transcripts: non-coding transcript variant (1).
Genome position (GRCh38, 1-based): chrX:50,086,410, A>G. VCF-style: chrX-50086410-A-G. GRCh37 (hg19) VCF-style: chrX-49851067-A-G.
Other names: c.887A>G, p.Asn296Ser (NM_000084.5); c.1097A>G, p.Asn366Ser (NM_001127899.4); c.947A>G, p.Asn316Ser (NM_001282163.2); c.1109A>G, p.Asn370Ser (NM_001440756.1, NM_001440757.1); short protein forms N296S, N366S, N370S, N316S.
Identifiers: ClinVar variation 4744152 (VCV004744152.1).

ClinVar aggregate classification (germline): Uncertain significance (1 of 4 stars; one submission).

gnomAD v4.1: 3 of 1,210,582 alleles (0.00025%); highest among the groups gnomAD compares: Non-Finnish European, 0.00034%; no homozygotes.

Submission:

Labcorp Genetics (formerly Invitae), Labcorp
Classification: Uncertain significance. Last evaluated: 2025-02-20. Review status: criteria provided, single submitter. Criteria: Invitae Variant Classification Sherloc (09022015). Collection method: clinical testing. Allele origin: germline.
Comment: This sequence change replaces asparagine, which is neutral and polar, with serine, which is neutral and polar, at codon 296 of the CLCN5 protein (p.Asn296Ser). This variant is not present in population databases (gnomAD no frequency). This variant has not been reported in the literature in individuals affected with CLCN5-related conditions. Invitae Evidence Modeling of protein sequence and biophysical properties (such as structural, functional, and spatial information, amino acid conservation, physicochemical variation, residue mobility, and thermodynamic stability) indicates that this missense variant is expected to disrupt CLCN5 protein function with a positive predictive value of 80%. In summary, the available evidence is currently insufficient to determine the role of this variant in disease. Therefore, it has been classified as a Variant of Uncertain Significance.